The following is an entry in ClinVar:

ClinVar aggregate classification (germline): Uncertain significance (1 of 4 stars; one submission).

Conditions:
Pheochromocytoma. Also called: MAX-Related Hereditary Paraganglioma-Pheochromocytoma Syndrome. Identifiers: Orphanet 29072, MedGen C0031511, MONDO:0008233, OMIM 171300, HP:0002666.
Carney-Stratakis syndrome. Also called: PARAGANGLIOMA AND GASTROINTESTINAL STROMAL TUMOR. Identifiers: Orphanet 97286, MedGen C1847319, MONDO:0011740, OMIM 606864.
Cowden syndrome 3 (CWS3). Identifiers: Orphanet 201, MedGen CN166604, MONDO:0014045.
Paragangliomas with sensorineural hearing loss. Identifiers: MedGen C1868633.

Submission:

Labcorp Genetics (formerly Invitae), Labcorp
Classification: Uncertain significance for Carney-Stratakis syndrome; Paragangliomas with sensorineural hearing loss; Pheochromocytoma; Cowden syndrome 3. Last evaluated: 2024-03-26. Review status: criteria provided, single submitter. Criteria: Invitae Variant Classification Sherloc (09022015). Collection method: clinical testing. Allele origin: germline.
Comment: This sequence change replaces serine, which is neutral and polar, with threonine, which is neutral and polar, at codon 132 of the SDHD protein (p.Ser132Thr). This variant is not present in population databases (gnomAD no frequency). This variant has not been reported in the literature in individuals affected with SDHD-related conditions. Advanced modeling of protein sequence and biophysical properties (such as structural, functional, and spatial information, amino acid conservation, physicochemical variation, residue mobility, and thermodynamic stability) has been performed at Invitae for this missense variant, however the output from this modeling did not meet the statistical confidence thresholds required to predict the impact of this variant on SDHD protein function. In summary, the available evidence is currently insufficient to determine the role of this variant in disease. Therefore, it has been classified as a Variant of Uncertain Significance.

NM_003002.4(SDHD):c.394T>A (p.Ser132Thr)

Gene: SDHD (succinate dehydrogenase complex subunit D; plus strand). Cytogenetic location: 11q23.1.
Variant type: single nucleotide variant.
Coding change: c.394T>A on transcript NM_003002.4 (MANE Select); coding-DNA position 394, T replaced by A.
Protein change: p.Ser132Thr; replaces serine 132 with threonine.
Molecular consequence: missense variant. On other transcripts: 3 prime UTR variant (1), non-coding transcript variant (1).
Genome position (GRCh38, 1-based): chr11:112,094,884, T>A. VCF-style: chr11-112094884-T-A. GRCh37 (hg19) VCF-style: chr11-111965608-T-A.
Other names: c.249T>A, p.Phe83Leu (NM_001276503.2); c.277T>A, p.Ser93Thr (NM_001276504.2); c.*92T>A (NM_001276506.2); short protein forms F83L, S132T, S93T.
Identifiers: ClinVar variation 3751130 (VCV003751130.2).
Genomic context (GRCh38, chr11:112,094,884, plus strand): 5'-ACTGACTATGTTCATGGGGATGCCTTGCAGAAAGCTGCCAAGGCAGGGCTTTTGGCACTT[T>A]CAGCTTTAACCTTTGCTGGGCTTTGCTATTTCAACTATCACGATGTGGGCATCTGCAAAG-3'
Protein context (NP_002993.1, residues 122-142): KAAKAGLLAL[Ser132Thr]ALTFAGLCYF